The following is an entry in ClinVar:

NM_001384732.1(CPLANE1):c.1840T>C (p.Cys614Arg)

Gene: CPLANE1 (ciliogenesis and planar polarity effector complex subunit 1; minus strand). Cytogenetic location: 5p13.2.
Variant type: single nucleotide variant.
Coding change: c.1840T>C on transcript NM_001384732.1 (MANE Select); coding-DNA position 1840, T replaced by C.
Protein change: p.Cys614Arg; replaces cysteine 614 with arginine.
Molecular consequence: missense variant.
Genome position (GRCh38, 1-based): chr5:37,226,755, A>G on the plus strand (T>C on the coding strand, the complement: CPLANE1 is on the minus strand). VCF-style: chr5-37226755-A-G. GRCh37 (hg19) VCF-style: chr5-37226857-A-G.
Other names: c.1840T>C, p.Cys614Arg (NM_023073.4); short protein forms C614R.
Identifiers: ClinVar variation 988190 (VCV000988190.1), dbSNP rs1796552273, ClinGen allele CA359498944.

ClinVar aggregate classification (germline): Uncertain significance (0 of 4 stars; one submission).

Conditions:
Nephronophthisis. Also called: Juvenile Nephronophthisis. Identifiers: Orphanet 655, MedGen C0687120, MONDO:0019005, HP:0000090.

Submission:

Sydney Genome Diagnostics, Children's Hospital Westmead
Classification: Uncertain significance for Nephronophthisis. Last evaluated: 2018-07-06. Review status: no assertion criteria provided. Collection method: clinical testing. Allele origin: unknown. Affected: yes. Observed: 1 variant allele, 1 heterozygote.
Comment: The variant has not been reported in any population databases (i.e. gnomAD, ExAC, ESP or dbSNP). To our knowledge, this variant has not been previously reported in the literature or any disease specific databases. In silico analysis of pathogenicity (through Alamut Visual v2.8.1) using PolyPhen2, SIFT and MutationTaster suggest that this variant is likely to be pathogenic. However, this analysis alone cannot be used to confirm pathogenicity. This variant is considered to be a variant of uncertain clinical significance (VOUS) according to the ACMG guidelines.